The following is an entry in ClinVar:

NM_000059.4(BRCA2):c.2175A>G (p.Lys725=)

Gene: BRCA2 (BRCA2 DNA repair associated; plus strand). Cytogenetic location: 13q13.1.
Variant type: single nucleotide variant.
Coding change: c.2175A>G on transcript NM_000059.4 (MANE Select); coding-DNA position 2175, A replaced by G.
Protein change: p.Lys725=; no amino-acid change (lysine 725 retained).
Molecular consequence: synonymous variant.
Genome position (GRCh38, 1-based): chr13:32,336,530, A>G. VCF-style: chr13-32336530-A-G. GRCh37 (hg19) VCF-style: chr13-32910667-A-G.
Identifiers: ClinVar variation 183871 (VCV000183871.22), dbSNP rs80358491, ClinGen allele CA014522.

ClinVar aggregate classification (germline): Likely benign. Review status: reviewed by expert panel (3 of 4 stars). 5 submissions from 5 submitters: Likely benign (1). 4 of the submissions do not count toward it. Last evaluated 2017-06-29.

Conditions:
Hereditary cancer-predisposing syndrome. Also called: Tumor predisposition; Hereditary Cancer Syndrome; Hereditary neoplastic syndrome; Neoplastic Syndromes, Hereditary. Identifiers: Orphanet 140162, MedGen C0027672, MeSH D009386, MONDO:0015356.
Hereditary breast ovarian cancer syndrome. Also called: Breast and ovarian cancer; Hereditary breast and ovarian cancer syndrome; Hereditary breast and ovarian cancer; BRCA1- and BRCA2-Associated Hereditary Breast and Ovarian Cancer; Hereditary breast and ovarian cancer syndrome (HBOC); Hereditary breast and/or ovarian cancer syndrome. Identifiers: Orphanet 145, MedGen C0677776, MeSH D061325, MONDO:0003582. Disease mechanism: loss of function.
Breast-ovarian cancer, familial, susceptibility to, 2 (BROVCA2). Also called: BRCA2 Hereditary Breast and Ovarian Cancer. Identifiers: Orphanet 145, MedGen C2675520, MONDO:0012933, OMIM 612555. Disease mechanism: loss of function.

Allele frequency attached by ClinVar (database versions not stated): gnomAD exomes below 0.00001; TOPMed below 0.00001; gnomAD 0.00001.
gnomAD v4.1: 6 of 1,613,966 alleles (0.00037%); highest among the groups gnomAD compares: East Asian, 0.0022%; no homozygotes.

Submissions (5):

Evidence-based Network for the Interpretation of Germline Mutant Alleles (ENIGMA)
Classification: Likely benign for Breast-ovarian cancer, familial, susceptibility to, 2. Last evaluated: 2017-06-29. Review status: reviewed by expert panel. Criteria: ENIGMA BRCA1/2 Classification Criteria (2017-06-29). Collection method: curation. Allele origin: germline.
Comment: Synonymous substitution variant, with low bioinformatic likelihood to result in a splicing aberration (Splicing prior probability 0.02).

Labcorp Genetics (formerly Invitae), Labcorp
Classification: Likely benign for Hereditary breast ovarian cancer syndrome. Last evaluated: 2024-11-15. Review status: criteria provided, single submitter. Criteria: Invitae Variant Classification Sherloc (09022015). Collection method: clinical testing. Allele origin: germline. Not counted in ClinVar's aggregate classification.

Quest Diagnostics Nichols Institute San Juan Capistrano
Classification: Likely benign. Last evaluated: 2021-02-12. Review status: criteria provided, single submitter. Criteria: Quest Diagnostics criteria. Collection method: clinical testing. Allele origin: unknown. Not counted in ClinVar's aggregate classification.

GeneDx
Classification: Likely benign. Last evaluated: 2019-05-22. Review status: criteria provided, single submitter. Criteria: GeneDx Variant Classification Process June 2021. Collection method: clinical testing. Allele origin: germline. Affected: yes. Not counted in ClinVar's aggregate classification.

Ambry Genetics
Classification: Likely benign for Hereditary cancer-predisposing syndrome. Last evaluated: 2014-06-13. Review status: criteria provided, single submitter. Criteria: Ambry Variant Classification Scheme 2023. Collection method: clinical testing. Allele origin: germline. Not counted in ClinVar's aggregate classification.